The following is an entry in ClinVar:

NM_022124.6(CDH23):c.6344G>A (p.Arg2115His)

Gene: CDH23 (cadherin related 23; plus strand). Cytogenetic location: 10q22.1.
Variant type: single nucleotide variant.
Coding change: c.6344G>A on transcript NM_022124.6 (MANE Select); coding-DNA position 6344, G replaced by A.
Protein change: p.Arg2115His; replaces arginine 2115 with histidine.
Molecular consequence: missense variant.
Genome position (GRCh38, 1-based): chr10:71,793,272, G>A. VCF-style: chr10-71793272-G-A. GRCh37 (hg19) VCF-style: chr10-73553029-G-A.
Other names: short protein forms R2115H.
Identifiers: ClinVar variation 437903 (VCV000437903.8), dbSNP rs1270566026, ClinGen allele CA377154451.

ClinVar aggregate classification (germline): Uncertain significance. Review status: criteria provided, multiple submitters, no conflicts (2 of 4 stars). 5 submissions from 5 submitters: Uncertain significance (4). 1 of the submissions does not count toward it. Last evaluated 2026-06-23.

Conditions:
Usher syndrome type 1D (USH1D). Also called: USHER SYNDROME, TYPE ID. Identifiers: Orphanet 231169, Orphanet 886, MedGen C1832845, MONDO:0010984, OMIM 601067.
Pituitary adenoma 5, multiple types. Identifiers: MedGen C4539685, MONDO:0054601, OMIM 617540.
Autosomal recessive nonsyndromic hearing loss 12. Also called: DEAFNESS, AUTOSOMAL RECESSIVE 12. Identifiers: Orphanet 90636, MedGen C1832394, MONDO:0011067, OMIM 601386.

Allele frequency attached by ClinVar (database versions not stated): gnomAD 0.00001; gnomAD exomes 0.00001; TOPMed 0.00001.
gnomAD v4.1: 49 of 1,613,802 alleles (0.003%); highest among the groups gnomAD compares: Non-Finnish European, 0.0038%; no homozygotes.

Submissions (5):

Women's Health and Genetics/Laboratory Corporation of America, LabCorp
Classification: Uncertain significance. Last evaluated: 2026-06-23. Review status: criteria provided, single submitter. Criteria: LabCorp Variant Classification Summary - May 2015. Collection method: clinical testing. Allele origin: germline.
Comment: Variant summary: CDH23 c.6344G>A (p.Arg2115His) results in a non-conservative amino acid change in the encoded protein sequence. Algorithms developed to predict the effect of missense changes on protein structure and function are either unavailable or do not agree on the potential impact of this missense change. The variant allele was found at a frequency of 1.2e-05 in 248982 control chromosomes (gnomAD). The available data on variant occurrences in the general population are insufficient to allow any conclusion about variant significance. c.6344G>A has been observed in individuals affected with Pituitary adenoma (Zhang_2017). These reports do not provide unequivocal conclusions about association of the variant with disease. To our knowledge, no experimental evidence demonstrating an impact on protein function has been reported. The following publications have been ascertained in the context of this evaluation (PMID: 27121473, 28413019). ClinVar contains an entry for this variant (Variation ID: 437903). Based on the evidence outlined above, the variant was classified as uncertain significance.

Blueprint Genetics
Classification: Uncertain significance. Last evaluated: 2024-09-08. Review status: criteria provided, single submitter. Criteria: ACMG Guidelines, 2015. Collection method: clinical testing. Allele origin: germline.

Labcorp Genetics (formerly Invitae), Labcorp
Classification: Uncertain significance. Last evaluated: 2022-02-18. Review status: criteria provided, single submitter. Criteria: Invitae Variant Classification Sherloc (09022015). Collection method: clinical testing. Allele origin: germline.
Comment: This sequence change replaces arginine, which is basic and polar, with histidine, which is basic and polar, at codon 2115 of the CDH23 protein (p.Arg2115His). This variant is present in population databases (no rsID available, gnomAD 0.002%). This variant has not been reported in the literature in individuals affected with CDH23-related conditions. ClinVar contains an entry for this variant (Variation ID: 437903). Algorithms developed to predict the effect of missense changes on protein structure and function are either unavailable or do not agree on the potential impact of this missense change (SIFT: "Deleterious"; PolyPhen-2: "Not Available"; Align-GVGD: "Class C25"). In summary, the available evidence is currently insufficient to determine the role of this variant in disease. Therefore, it has been classified as a Variant of Uncertain Significance.

Juno Genomics, Hangzhou Juno Genomics, Inc
Classification: Uncertain significance for Pituitary adenoma 5, multiple types; Autosomal recessive nonsyndromic hearing loss 12; Usher syndrome type 1D. Review status: criteria provided, single submitter. Criteria: ACMG Guidelines, 2015. Collection method: clinical testing. Allele origin: germline.
Comment: Absent from controls (or at extremely low frequency if recessive) in Genome Aggregation Database.;Multiple lines of computational evidence suggest no impact on gene or gene product.;Patient's phenotype or family history is highly specific for a disease with a single genetic etiology.

OMIM
Classification: Pathogenic for PITUITARY ADENOMA 5, GROWTH HORMONE-SECRETING. Last evaluated: 2017-09-26. Review status: no assertion criteria provided. Collection method: literature only. Allele origin: germline. Not counted in ClinVar's aggregate classification.

Literature cited by the submitters: PubMed 28413019 (cited by Women's Health and Genetics/Laboratory Corporation of America, LabCorp and OMIM); PubMed 27121473 (cited by Women's Health and Genetics/Laboratory Corporation of America, LabCorp).